The following is an entry in ClinVar:

ClinVar aggregate classification (germline): Uncertain significance. Review status: criteria provided, multiple submitters, no conflicts (2 of 4 stars). 2 submissions from 2 submitters: Uncertain significance (2). Last evaluated 2025-09-12.

Conditions:
Pancreatic adenocarcinoma. Identifiers: MedGen C0281361, MONDO:0006047, HP:0006725.

gnomAD v4.1: 1 of 1,499,846 alleles (0.000067%); highest among the groups gnomAD compares: Non-Finnish European, 0.000088%; no homozygotes.

Submissions (2):

Ambry Genetics
Classification: Uncertain significance. Last evaluated: 2025-09-12. Review status: criteria provided, single submitter. Criteria: Ambry Variant Classification Scheme 2023. Collection method: clinical testing. Allele origin: germline.
Comment: The p.G33R variant (also known as c.97G>A), located in coding exon 1 of the PALLD gene, results from a G to A substitution at nucleotide position 97. The glycine at codon 33 is replaced by arginine, an amino acid with dissimilar properties. This amino acid position is conserved. In addition, this alteration is predicted to be tolerated by in silico analysis. Based on the available evidence, the clinical significance of this variant remains unclear.

Labcorp Genetics (formerly Invitae), Labcorp
Classification: Uncertain significance for Pancreatic adenocarcinoma. Last evaluated: 2023-10-15. Review status: criteria provided, single submitter. Criteria: Invitae Variant Classification Sherloc (09022015). Collection method: clinical testing. Allele origin: germline.
Comment: This sequence change replaces glycine, which is neutral and non-polar, with arginine, which is basic and polar, at codon 33 of the PALLD protein (p.Gly33Arg). This variant is not present in population databases (gnomAD no frequency). This variant has not been reported in the literature in individuals affected with PALLD-related conditions. An algorithm developed to predict the effect of missense changes on protein structure and function (PolyPhen-2) suggests that this variant is likely to be disruptive. In summary, the available evidence is currently insufficient to determine the role of this variant in disease. Therefore, it has been classified as a Variant of Uncertain Significance.

NM_001166108.2(PALLD):c.1965-12934G>A

Gene: PALLD (palladin, cytoskeletal associated protein; plus strand). Cytogenetic location: 4q32.3.
Variant type: single nucleotide variant.
Coding change: c.1965-12934G>A on transcript NM_001166108.2 (MANE Select); 12934 bases into the intron before coding-DNA position 1965, G replaced by A.
Molecular consequence: intron variant. On other transcripts: missense variant (1).
Genome position (GRCh38, 1-based): chr4:168,877,988, G>A. VCF-style: chr4-168877988-G-A. GRCh37 (hg19) VCF-style: chr4-169799139-G-A.
Other names: c.97G>A, p.Gly33Arg (NM_001166110.2); c.1965-12934G>A (NM_016081.4); c.819-12934G>A (NM_001166109.2); c.-157-12934G>A (NM_001367570.1, NM_001367568.1, NM_001367567.1 and 1 more transcripts); c.97G>A (NM_001166110.1); short protein forms G33R.
Identifiers: ClinVar variation 2725083 (VCV002725083.5), dbSNP rs1041611510, ClinGen allele CA110515913.